The following is an entry in ClinVar:

NM_004329.3(BMPR1A):c.869-6G>A

Gene: BMPR1A (bone morphogenetic protein receptor type 1A; plus strand). Cytogenetic location: 10q23.2.
Variant type: single nucleotide variant.
Coding change: c.869-6G>A on transcript NM_004329.3 (MANE Select); 6 bases into the intron before coding-DNA position 869, G replaced by A.
Molecular consequence: intron variant.
Genome position (GRCh38, 1-based): chr10:86,919,166, G>A. VCF-style: chr10-86919166-G-A. GRCh37 (hg19) VCF-style: chr10-88678923-G-A.
Identifiers: ClinVar variation 947534 (VCV000947534.12), dbSNP rs1843620547, ClinGen allele CA1139661555.

ClinVar aggregate classification (germline): Uncertain significance. Review status: criteria provided, multiple submitters, no conflicts (2 of 4 stars). 3 submissions from 3 submitters: Uncertain significance (3). Last evaluated 2025-03-04.

Conditions:
Polyposis syndrome, hereditary mixed, 2. Identifiers: Orphanet 157794, MedGen C1864730, MONDO:0012405, OMIM 610069.
Juvenile polyposis syndrome (JPS). Identifiers: Orphanet 2929, MedGen C0345893, MONDO:0017380, OMIM 174900.

Submissions (3):

Center for Genomic Medicine, Rigshospitalet, Copenhagen University Hospital
Classification: Uncertain significance. Last evaluated: 2025-03-04. Review status: criteria provided, single submitter. Criteria: ACMG Guidelines, 2015. Collection method: clinical testing. Allele origin: germline.
Comment: Classification criteria: PM2_supporting, PP3

Department of Pathology and Laboratory Medicine, Sinai Health System
Classification: Uncertain significance for Polyposis syndrome, hereditary mixed, 2; Juvenile polyposis syndrome. Last evaluated: 2022-04-28. Review status: criteria provided, single submitter. Criteria: ACMG Guidelines, 2015. Collection method: clinical testing. Allele origin: germline. Affected: yes.

Labcorp Genetics (formerly Invitae), Labcorp
Classification: Uncertain significance for Juvenile polyposis syndrome. Last evaluated: 2019-04-30. Review status: criteria provided, single submitter. Criteria: Invitae Variant Classification Sherloc (09022015). Collection method: clinical testing. Allele origin: germline.
Comment: This sequence change falls in intron 9 of the BMPR1A gene. It does not directly change the encoded amino acid sequence of the BMPR1A protein. In summary, the available evidence is currently insufficient to determine the role of this variant in disease. Therefore, it has been classified as a Variant of Uncertain Significance. Algorithms developed to predict the effect of sequence changes on RNA splicing suggest that this variant may disrupt the consensus splice site, but this prediction has not been confirmed by published transcriptional studies. This variant has not been reported in the literature in individuals with BMPR1A-related conditions. This variant is not present in population databases (ExAC no frequency).